The following is an entry in ClinVar:

NM_005591.4(MRE11):c.1327-3C>T

Gene: MRE11 (MRE11 double strand break repair nuclease; minus strand). Cytogenetic location: 11q21.
Variant type: single nucleotide variant.
Coding change: c.1327-3C>T on transcript NM_005591.4 (MANE Select); 3 bases into the intron before coding-DNA position 1327, C replaced by T.
Molecular consequence: intron variant.
Genome position (GRCh38, 1-based): chr11:94,459,584, G>A on the plus strand (C>T on the coding strand, the complement: MRE11 is on the minus strand). VCF-style: chr11-94459584-G-A. GRCh37 (hg19) VCF-style: chr11-94192750-G-A.
Other names: c.1327-3C>T (NM_001330347.2, NM_005590.4).
Identifiers: ClinVar variation 3397864 (VCV003397864.1).

ClinVar aggregate classification (germline): Uncertain significance (1 of 4 stars; one submission).

Conditions:
Hereditary cancer-predisposing syndrome. Also called: Hereditary Cancer Syndrome; Tumor predisposition; Hereditary neoplastic syndrome; Neoplastic Syndromes, Hereditary. Identifiers: Orphanet 140162, MedGen C0027672, MeSH D009386, MONDO:0015356.

gnomAD v4.1: 1 of 1,613,502 alleles (0.000062%); highest among the groups gnomAD compares: South Asian, 0.0011%; no homozygotes.

Submission:

Ambry Genetics
Classification: Uncertain significance for Hereditary cancer-predisposing syndrome. Last evaluated: 2024-09-27. Review status: criteria provided, single submitter. Criteria: Ambry Variant Classification Scheme 2023. Collection method: clinical testing. Allele origin: germline.
Comment: The c.1327-3C>T intronic variant results from a C to T substitution 3 nucleotides upstream from coding exon 12 in the MRE11A gene. This nucleotide position is poorly conserved in available vertebrate species. In silico splice site analysis for this alteration is inconclusive. Based on the available evidence, the clinical significance of this variant remains unclear.